The following is an entry in ClinVar:

ClinVar aggregate classification (germline): Uncertain significance (1 of 4 stars; one submission).

Allele frequency attached by ClinVar (database versions not stated): gnomAD exomes below 0.00001; TOPMed below 0.00001.
gnomAD v4.1: 1 of 1,614,102 alleles (0.000062%); highest among the groups gnomAD compares: South Asian, 0.0011%; no homozygotes.

Submission:

GeneDx
Classification: Uncertain significance. Last evaluated: 2019-03-07. Review status: criteria provided, single submitter. Criteria: GeneDx Variant Classification Process June 2021. Collection method: clinical testing. Allele origin: germline. Affected: yes.
Comment: Not observed in large population cohorts (Lek et al., 2016; McVean et al., 2012; Exome Variant Server); In silico analysis, which includes protein predictors and evolutionary conservation, supports that this variant does not alter protein structure/function; Has not been previously published as pathogenic or benign to our knowledge

NM_001291303.3(FAT4):c.1525A>C (p.Asn509His)

Gene: FAT4 (FAT atypical cadherin 4; plus strand). Cytogenetic location: 4q28.1.
Variant type: single nucleotide variant.
Coding change: c.1525A>C on transcript NM_001291303.3 (MANE Select); coding-DNA position 1525, A replaced by C.
Protein change: p.Asn509His; replaces asparagine 509 with histidine.
Molecular consequence: missense variant.
Genome position (GRCh38, 1-based): chr4:125,317,936, A>C. VCF-style: chr4-125317936-A-C. GRCh37 (hg19) VCF-style: chr4-126239091-A-C.
Other names: c.1525A>C, p.Asn509His (NM_001291285.3, NM_024582.6); short protein forms N509H.
Identifiers: ClinVar variation 1307666 (VCV001307666.2), dbSNP rs1730707960, ClinGen allele CA358118090.
Genomic context (GRCh38, chr4:125,317,936, plus strand): 5'-CCTCCGGGAAGCTATGTGAGTGGGATATCTGCCACTGATGGCGACTCTGGTCTCAATGCT[A>C]ATCTGCGTTACAGCATTGTCTCTGGCAATGGACTGGGATGGTTCCATATCAGTGAACATA-3'
Protein context (NP_001278232.1, residues 499-519): ATDGDSGLNA[Asn509His]LRYSIVSGNG